The following is an entry in ClinVar:

NM_001273.5(CHD4):c.2520G>A (p.Glu840=)

Gene: CHD4 (chromodomain helicase DNA binding protein 4; minus strand). Cytogenetic location: 12p13.31.
Variant type: single nucleotide variant.
Coding change: c.2520G>A on transcript NM_001273.5 (MANE Select); coding-DNA position 2520, G replaced by A.
Protein change: p.Glu840=; no amino-acid change (glutamic acid 840 retained).
Molecular consequence: synonymous variant.
Genome position (GRCh38, 1-based): chr12:6,593,223, C>T on the plus strand (G>A on the coding strand, the complement: CHD4 is on the minus strand). VCF-style: chr12-6593223-C-T. GRCh37 (hg19) VCF-style: chr12-6702389-C-T.
Other names: c.2499G>A, p.Glu833= (NM_001297553.2); c.2481G>A, p.Glu827= (NM_001363606.2).
Identifiers: ClinVar variation 746613 (VCV000746613.10), dbSNP rs538710424, ClinGen allele CA6411945.

ClinVar aggregate classification (germline): Benign/Likely benign. Review status: criteria provided, multiple submitters, no conflicts (2 of 4 stars). 2 submissions from 2 submitters: Benign (1); Likely benign (1). Last evaluated 2026-06-01.

Allele frequency attached by ClinVar (database versions not stated): gnomAD below 0.00001 and 0.00015; TOPMed 0.00003; gnomAD exomes 0.00043 and 0.00096; 1000 Genomes Project 30x 0.00062; 1000 Genomes Project 0.00080; ExAC 0.00111.
gnomAD v4.1: 645 of 1,614,082 alleles (0.04%); highest among the groups gnomAD compares: South Asian, 0.64%; 7 homozygotes.

Submissions (2):

CeGaT Center for Human Genetics Tuebingen
Classification: Likely benign. Last evaluated: 2026-06-01. Review status: criteria provided, single submitter. Criteria: CeGaT Center For Human Genetics Tuebingen Variant Classification Criteria Version 2. Collection method: clinical testing. Allele origin: germline. Affected: yes. Observed: 1 variant allele.
Comment: CHD4: BP4, BP7, BS1

Labcorp Genetics (formerly Invitae), Labcorp
Classification: Benign. Last evaluated: 2024-01-29. Review status: criteria provided, single submitter. Criteria: Invitae Variant Classification Sherloc (09022015). Collection method: clinical testing. Allele origin: germline.